The following is an entry in ClinVar:

NM_001136193.2(FASTKD2):c.8C>A (p.Thr3Lys)

Gene: FASTKD2 (FAST kinase domains 2; plus strand). Cytogenetic location: 2q33.3.
Variant type: single nucleotide variant.
Coding change: c.8C>A on transcript NM_001136193.2 (MANE Select); coding-DNA position 8, C replaced by A.
Protein change: p.Thr3Lys; replaces threonine 3 with lysine.
Molecular consequence: missense variant.
Genome position (GRCh38, 1-based): chr2:206,766,701, C>A. VCF-style: chr2-206766701-C-A. GRCh37 (hg19) VCF-style: chr2-207631425-C-A.
Other names: c.8C>A, p.Thr3Lys (NM_001136194.2, NM_014929.4); short protein forms T3K.
Identifiers: ClinVar variation 1943390 (VCV001943390.5), dbSNP rs2469460659, ClinGen allele CA350067652.

ClinVar aggregate classification (germline): Uncertain significance (1 of 4 stars; one submission).

Submission:

Labcorp Genetics (formerly Invitae), Labcorp
Classification: Uncertain significance. Last evaluated: 2024-09-16. Review status: criteria provided, single submitter. Criteria: Invitae Variant Classification Sherloc (09022015). Collection method: clinical testing. Allele origin: germline.
Comment: This sequence change replaces threonine, which is neutral and polar, with lysine, which is basic and polar, at codon 3 of the FASTKD2 protein (p.Thr3Lys). This variant is not present in population databases (gnomAD no frequency). This variant has not been reported in the literature in individuals affected with FASTKD2-related conditions. ClinVar contains an entry for this variant (Variation ID: 1943390). An algorithm developed to predict the effect of missense changes on protein structure and function (PolyPhen-2) suggests that this variant is likely to be tolerated. In summary, the available evidence is currently insufficient to determine the role of this variant in disease. Therefore, it has been classified as a Variant of Uncertain Significance.